The following is an entry in ClinVar:

ClinVar aggregate classification (germline): Uncertain significance (1 of 4 stars; one submission).

Conditions:
Familial thoracic aortic aneurysm and aortic dissection (TAAD). Also called: Thoracic aortic aneurysms and dissections. Identifiers: Orphanet 91387, MedGen C4707243, MONDO:0019625.

gnomAD v4.1: 1 of 1,613,898 alleles (0.000062%); highest among the groups gnomAD compares: Non-Finnish European, 0.000085%; no homozygotes.

Submission:

Ambry Genetics
Classification: Uncertain significance for Familial thoracic aortic aneurysm and aortic dissection. Last evaluated: 2025-03-03. Review status: criteria provided, single submitter. Criteria: Ambry Variant Classification Scheme 2023. Collection method: clinical testing. Allele origin: germline.
Comment: The p.D2569N variant (also known as c.7705G>A), located in coding exon 62 of the FBN1 gene, results from a G to A substitution at nucleotide position 7705. The aspartic acid at codon 2569 is replaced by asparagine, an amino acid with highly similar properties. This amino acid position is highly conserved in available vertebrate species. In addition, the in silico prediction for this alteration is inconclusive. Based on the available evidence, the clinical significance of this variant remains unclear.

NM_000138.5(FBN1):c.7705G>A (p.Asp2569Asn)

Gene: FBN1 (fibrillin 1; minus strand). Cytogenetic location: 15q21.1.
Variant type: single nucleotide variant.
Coding change: c.7705G>A on transcript NM_000138.5 (MANE Select); coding-DNA position 7705, G replaced by A.
Protein change: p.Asp2569Asn; replaces aspartic acid 2569 with asparagine.
Molecular consequence: missense variant.
Genome position (GRCh38, 1-based): chr15:48,420,801, C>T on the plus strand (G>A on the coding strand, the complement: FBN1 is on the minus strand). VCF-style: chr15-48420801-C-T. GRCh37 (hg19) VCF-style: chr15-48712998-C-T.
Other names: c.7705G>A, p.Asp2569Asn (NM_001406716.1); short protein forms D2569N.
Identifiers: ClinVar variation 3849180 (VCV003849180.1).